The following is an entry in ClinVar:

NM_005045.4(RELN):c.6726G>C (p.Arg2242Ser)

Gene: RELN (reelin; minus strand). Cytogenetic location: 7q22.1.
Variant type: single nucleotide variant.
Coding change: c.6726G>C on transcript NM_005045.4 (MANE Select); coding-DNA position 6726, G replaced by C.
Protein change: p.Arg2242Ser; replaces arginine 2242 with serine.
Molecular consequence: missense variant.
Genome position (GRCh38, 1-based): chr7:103,540,401, C>G on the plus strand (G>C on the coding strand, the complement: RELN is on the minus strand). VCF-style: chr7-103540401-C-G. GRCh37 (hg19) VCF-style: chr7-103180848-C-G.
Other names: c.6726G>C, p.Arg2242Ser (NM_173054.3); short protein forms R2242S.
Identifiers: ClinVar variation 130135 (VCV000130135.22), dbSNP rs201422815, ClinGen allele CA231460.
Genomic context (GRCh38, chr7:103,540,401, plus strand): 5'-CTGAAGAAGACTCCACGAGAGGCCACCGTTGAGAGAATACTGTAGGAGCACGGGTTGACT[C>G]CTGGGGTCAGGAACGCCTTTACCACATCCCAGTCTCATGAAGAACTGCACAAATCTGACA-3'
Protein context (NP_005036.2, residues 2232-2252): LGCGKGVPDP[Arg2242Ser]SQPVLLQYSL

ClinVar aggregate classification (germline): Conflicting classifications of pathogenicity. Review status: criteria provided, conflicting classifications (1 of 4 stars). 7 submissions from 7 submitters: Uncertain significance (5); Benign (1); Likely benign (1). Last evaluated 2026-02-02.

Conditions:
RELN-related disorder. Also called: RELN-related condition.
Norman-Roberts syndrome (LIS2). Also called: Lissencephaly 2 (Norman-Roberts type). Identifiers: Orphanet 89844, MedGen C0796089, MONDO:0009760, OMIM 257320.
Familial temporal lobe epilepsy 7. Identifiers: Orphanet 101046, MedGen C4225327, MONDO:0014639, OMIM 616436.
Epilepsy, familial temporal lobe, 1. Identifiers: Orphanet 101046, MedGen CN030884, MONDO:0700090, OMIM 600512.

Allele frequency attached by ClinVar (database versions not stated): ESP Exome Variant Server 0.00008; ExAC 0.00014; gnomAD 0.00019 and 0.00021; gnomAD exomes 0.00023; TOPMed 0.00025.
gnomAD v4.1: 184 of 1,613,982 alleles (0.011%); highest among the groups gnomAD compares: Admixed American, 0.16%; no homozygotes.

Submissions (7):

Labcorp Genetics (formerly Invitae), Labcorp
Classification: Benign for Familial temporal lobe epilepsy 7; Norman-Roberts syndrome. Last evaluated: 2026-02-02. Review status: criteria provided, single submitter. Criteria: Invitae Variant Classification Sherloc (09022015). Collection method: clinical testing. Allele origin: germline.

ARUP Laboratories, Molecular Genetics and Genomics, ARUP Laboratories
Classification: Uncertain significance. Last evaluated: 2025-03-06. Review status: criteria provided, single submitter. Criteria: ARUP Molecular Germline Variant Investigation Process 2024. Collection method: clinical testing. Allele origin: germline.

PreventionGenetics, part of Exact Sciences
Classification: Likely benign for RELN-related condition. Last evaluated: 2025-01-10. Review status: criteria provided, single submitter. Criteria: ACMG Guidelines, 2015. Collection method: clinical testing. Allele origin: germline.
Comment: This variant is classified as likely benign based on ACMG/AMP sequence variant interpretation guidelines (Richards et al. 2015 PMID: 25741868, with internal and published modifications).

Athena Diagnostics
Classification: Uncertain significance. Last evaluated: 2017-12-15. Review status: criteria provided, single submitter. Criteria: Athena Diagnostics Criteria. Collection method: clinical testing. Allele origin: germline.

Fulgent Genetics
Classification: Uncertain significance for Norman-Roberts syndrome; Epilepsy, familial temporal lobe, 1; Familial temporal lobe epilepsy 7. Last evaluated: 2017-05-23. Review status: criteria provided, single submitter. Criteria: ACMG Guidelines, 2015. Collection method: clinical testing. Allele origin: unknown.

Eurofins Ntd Llc (ga)
Classification: Uncertain significance. Last evaluated: 2014-11-03. Review status: criteria provided, single submitter. Criteria: EGL Classification Definitions 2015. Collection method: clinical testing. Allele origin: germline. Observed: 1 variant allele, 1 heterozygote.

Genetic Services Laboratory, University of Chicago
Classification: Uncertain significance. Last evaluated: 2013-12-23. Review status: criteria provided, single submitter. Criteria: ACMG Guidelines, 2007. Collection method: clinical testing. Allele origin: germline. Inheritance: Autosomal recessive inheritance.